The following is an entry in ClinVar:

NM_001395656.1(ROBO2):c.*3001A>G

Gene: ROBO2 (roundabout guidance receptor 2; plus strand). Cytogenetic location: 3p12.3.
Variant type: single nucleotide variant.
Coding change: c.*3001A>G on transcript NM_001395656.1 (MANE Select); 3001 bases downstream of the stop codon, A replaced by G.
Molecular consequence: 3 prime UTR variant.
Genome position (GRCh38, 1-based): chr3:77,649,056, A>G. VCF-style: chr3-77649056-A-G. GRCh37 (hg19) VCF-style: chr3-77698207-A-G.
Other names: c.*3001A>G (NM_001128929.3, NM_001290039.2, NM_001290040.2 and 14 more transcripts); c.*2998A>G (NM_001378194.1, NM_001378196.1, NM_001378199.1 and 3 more transcripts).
Identifiers: ClinVar variation 346760 (VCV000346760.6), dbSNP rs114795420, ClinGen allele CA10619620.

ClinVar aggregate classification (germline): Benign (1 of 4 stars; one submission).

Conditions:
Vesicoureteral reflux 2 (VUR2). Identifiers: Orphanet 289365, MedGen C1970483, MONDO:0012573, OMIM 610878.

Allele frequency attached by ClinVar (database versions not stated): 1000 Genomes Project 0.02915; gnomAD 0.02919 and 0.03138; 1000 Genomes Project 30x 0.03295; TOPMed 0.03315.

Submission:

Illumina Laboratory Services, Illumina
Classification: Benign for Vesicoureteral reflux 2. Last evaluated: 2018-01-12. Review status: criteria provided, single submitter. Criteria: ICSL Variant Classification Criteria 13 December 2019. Collection method: clinical testing. Allele origin: germline.
Comment: This variant was observed in the ICSL laboratory as part of a predisposition screen in an ostensibly healthy population. It had not been previously curated by ICSL or reported in the Human Gene Mutation Database (HGMD: prior to June 1st, 2018), and was therefore a candidate for classification through an automated scoring system. Utilizing variant allele frequency, disease prevalence and penetrance estimates, and inheritance mode, an automated score was calculated to assess if this variant is too frequent to cause the disease. Based on the score and internal cut-off values, a variant classified as benign is not then subjected to further curation. The score for this variant resulted in a classification of benign for this disease.